The following is an entry in ClinVar:

ClinVar aggregate classification (germline): Likely pathogenic (1 of 4 stars; one submission).

Conditions:
VISS syndrome. Also called: VASCULAR ANEURYSM, IMMUNE DYSREGULATION, SKELETAL ANOMALIES, AND SKIN AND JOINT LAXITY. Identifiers: MedGen C5561955, MONDO:0859177, OMIM 619472.

Allele frequency attached by ClinVar (database versions not stated): gnomAD exomes below 0.00001 and 0.00001.
gnomAD v4.1: 5 of 1,613,282 alleles (0.00031%); highest among the groups gnomAD compares: Non-Finnish European, 0.00034%; no homozygotes.

Submission:

SIB Swiss Institute of Bioinformatics
Classification: Likely pathogenic for VISS syndrome. Last evaluated: 2022-03-09. Review status: criteria provided, single submitter. Criteria: ACMG Guidelines, 2015. Collection method: curation. Allele origin: unknown.
Comment: This variant is interpreted as likely pathogenic for VISS syndrome, autosomal recessive. The following ACMG Tag(s) were applied: Absent from controls (or at extremely low frequency if recessive) in Exome Sequencing Project, 1000 Genomes Project, or Exome Aggregation Consortium (PM2); Predicted nullvariant in a gene where LOF is a known mechanism of disease (PVS1 downgraded to strong).

Literature cited by the submitters: PubMed 33875846.

NM_006390.4(IPO8):c.700C>T (p.Arg234Ter)

Gene: IPO8 (importin 8; minus strand). Cytogenetic location: 12p11.21.
Variant type: single nucleotide variant.
Coding change: c.700C>T on transcript NM_006390.4 (MANE Select); coding-DNA position 700, C replaced by T.
Protein change: p.Arg234Ter; replaces arginine 234 with a stop codon.
Molecular consequence: nonsense.
Genome position (GRCh38, 1-based): chr12:30,676,527, G>A on the plus strand (C>T on the coding strand, the complement: IPO8 is on the minus strand). VCF-style: chr12-30676527-G-A. GRCh37 (hg19) VCF-style: chr12-30829461-G-A.
Other names: c.85C>T, p.Arg29Ter (NM_001190995.2); short protein forms R234*, R29*.
Identifiers: ClinVar variation 1526425 (VCV001526425.1), dbSNP rs1044428455, ClinGen allele CA234475429.